The following is an entry in ClinVar:

NM_001164277.2(SLC37A4):c.1118C>A (p.Ala373Asp)

Gene: SLC37A4 (solute carrier family 37 member 4; minus strand). Cytogenetic location: 11q23.3.
Variant type: single nucleotide variant.
Coding change: c.1118C>A on transcript NM_001164277.2 (MANE Select); coding-DNA position 1118, C replaced by A.
Protein change: p.Ala373Asp; replaces alanine 373 with aspartic acid.
Molecular consequence: missense variant.
Genome position (GRCh38, 1-based): chr11:119,025,196, G>T on the plus strand (C>A on the coding strand, the complement: SLC37A4 is on the minus strand). VCF-style: chr11-119025196-G-T. GRCh37 (hg19) VCF-style: chr11-118895906-G-T.
Other names: c.1184C>A, p.Ala395Asp (NM_001164278.2); c.899C>A, p.Ala300Asp (NM_001164279.2); c.1118C>A, p.Ala373Asp (NM_001164280.2, NM_001467.6); short protein forms A373D, A300D, A395D.
Identifiers: ClinVar variation 68269 (VCV000068269.2), dbSNP rs193302901, ClinGen allele CA219282.
Genomic context (GRCh38, chr11:119,025,196, plus strand): 5'-CTATATGCAAAGCACAGGTGGGGGTGAGGGAGAGACTCTAGAAGTTAACACTTACCATTG[G>T]CCATGAGTCCCACAATGGCGTGGGAGGTGCCACACAAGTTGGGAGGGGCACTCTCGTTGG-3'
Protein context (NP_001157749.1, residues 363-383): GTSHAIVGLM[Ala373Asp]NVGGFLAGLP

ClinVar aggregate classification (germline): Likely pathogenic. Review status: criteria provided, single submitter (1 of 4 stars). 2 submissions from 2 submitters: Likely pathogenic (1). 1 of the submissions does not count toward it. Last evaluated 2026-03-20.

Conditions:
Glycogen storage disease, type I. Identifiers: Orphanet 364, MedGen C0017920, MONDO:0002413.

Submissions (2):

Myriad Genetics, Inc.
Classification: Likely pathogenic for Glycogen storage disease, type I. Last evaluated: 2026-03-20. Review status: criteria provided, single submitter. Criteria: Myriad Autosomal Dominant, Autosomal Recessive and X-Linked Classification Criteria (2023). Collection method: clinical testing. Allele origin: unknown.
Comment: NM_001164277.1(SLC37A4):c.1118C>A(A373D) is a missense variant classified as likely pathogenic in the context of glycogen storage disease type Ib. A373D has been observed in cases with relevant disease (PMID: 10940311, 28612263). Relevant functional assessments of this variant are available in the literature (PMID: 10940311, 12444104, 2598217). Internal structural analysis of the variant is supportive of pathogenicity. A373D has been observed in referenced population frequency databases. In summary, NM_001164277.1(SLC37A4):c.1118C>A(A373D) is a missense variant that has both functional and internal structural support for pathogenicity and has been observed more frequently in cases with the relevant disease than in healthy populations. Please note: this variant was assessed in the context of healthy population screening.

UniProtKB/Swiss-Prot
No classification provided. Review status: no classification provided. Collection method: not provided. Allele origin: not provided. Not counted in ClinVar's aggregate classification.

Literature cited by the submitters: PubMed 10940311 (cited by Myriad Genetics, Inc.); PubMed 12444104 (cited by Myriad Genetics, Inc.); PubMed 2598217 (cited by Myriad Genetics, Inc.); PubMed 28612263 (cited by Myriad Genetics, Inc.).